The following is an entry in ClinVar:

NM_001042492.3(NF1):c.5162A>C (p.His1721Pro)

Gene: NF1 (neurofibromin 1; plus strand). Cytogenetic location: 17q11.2.
Variant type: single nucleotide variant.
Coding change: c.5162A>C on transcript NM_001042492.3 (MANE Select); coding-DNA position 5162, A replaced by C.
Protein change: p.His1721Pro; replaces histidine 1721 with proline.
Molecular consequence: missense variant.
Genome position (GRCh38, 1-based): chr17:31,326,146, A>C. VCF-style: chr17-31326146-A-C. GRCh37 (hg19) VCF-style: chr17-29653164-A-C.
Other names: c.5099A>C, p.His1700Pro (NM_000267.4); short protein forms H1700P, H1721P.
Identifiers: ClinVar variation 1745307 (VCV001745307.3), dbSNP rs1597830164, ClinGen allele CA399007860.

ClinVar aggregate classification (germline): Uncertain significance (1 of 4 stars; one submission).

Conditions:
Cardiovascular phenotype. Identifiers: MedGen CN230736.
Hereditary cancer-predisposing syndrome. Also called: Hereditary Cancer Syndrome; Hereditary neoplastic syndrome; Neoplastic Syndromes, Hereditary; Tumor predisposition. Identifiers: Orphanet 140162, MedGen C0027672, MeSH D009386, MONDO:0015356.

Submission:

Ambry Genetics
Classification: Uncertain significance for Cardiovascular phenotype; Hereditary cancer-predisposing syndrome. Last evaluated: 2026-07-08. Review status: criteria provided, single submitter. Criteria: Ambry Variant Classification Scheme 2023. Collection method: clinical testing. Allele origin: germline.
Comment: The p.H1700P variant (also known as c.5099A>C), located in coding exon 36 of the NF1 gene, results from an A to C substitution at nucleotide position 5099. The histidine at codon 1700 is replaced by proline, an amino acid with similar properties. This amino acid position is not well conserved in available vertebrate species. In addition, this alteration is predicted to be tolerated by in silico analysis. Based on the available evidence, the clinical significance of this variant remains unclear.